The following is an entry in ClinVar:

NM_000051.4(ATM):c.4644T>A (p.Asp1548Glu)

Gene: ATM (ATM serine/threonine kinase; plus strand). Cytogenetic location: 11q22.3.
Variant type: single nucleotide variant.
Coding change: c.4644T>A on transcript NM_000051.4 (MANE Select); coding-DNA position 4644, T replaced by A.
Protein change: p.Asp1548Glu; replaces aspartic acid 1548 with glutamic acid.
Molecular consequence: missense variant.
Genome position (GRCh38, 1-based): chr11:108,293,345, T>A. VCF-style: chr11-108293345-T-A. GRCh37 (hg19) VCF-style: chr11-108164072-T-A.
Other names: c.4644T>A, p.Asp1548Glu (NM_001351834.2); short protein forms D1548E.
Identifiers: ClinVar variation 3451925 (VCV003451925.1).

ClinVar aggregate classification (germline): Uncertain significance (1 of 4 stars; one submission).

Conditions:
Hereditary cancer-predisposing syndrome. Also called: Tumor predisposition; Neoplastic Syndromes, Hereditary; Hereditary neoplastic syndrome; Hereditary Cancer Syndrome. Identifiers: Orphanet 140162, MedGen C0027672, MeSH D009386, MONDO:0015356.

Submission:

Ambry Genetics
Classification: Uncertain significance for Hereditary cancer-predisposing syndrome. Last evaluated: 2024-10-13. Review status: criteria provided, single submitter. Criteria: Ambry Variant Classification Scheme 2023. Collection method: clinical testing. Allele origin: germline.
Comment: The p.D1548E variant (also known as c.4644T>A), located in coding exon 30 of the ATM gene, results from a T to A substitution at nucleotide position 4644. The aspartic acid at codon 1548 is replaced by glutamic acid, an amino acid with highly similar properties. This amino acid position is conserved. In addition, this alteration is predicted to be tolerated by in silico analysis. Based on the available evidence, the clinical significance of this variant remains unclear.